The following is an entry in ClinVar:

NC_000015.9:g.(?_51755556)_(51773840_?)del

Gene: DMXL2 (Dmx like 2; minus strand). Cytogenetic location: 15q21.2.
Variant type: Deletion.
Identifiers: ClinVar variation 2423929 (VCV002423929.4).

ClinVar aggregate classification (germline): Pathogenic (1 of 4 stars; one submission).

Submission:

Labcorp Genetics (formerly Invitae), Labcorp
Classification: Pathogenic. Last evaluated: 2022-03-30. Review status: criteria provided, single submitter. Criteria: Invitae Variant Classification Sherloc (09022015). Collection method: clinical testing. Allele origin: germline.
Comment: For these reasons, this variant has been classified as Pathogenic. This variant has not been reported in the literature in individuals affected with DMXL2-related conditions. This variant is a gross deletion of the genomic region encompassing exon(s) 24-33 of the DMXL2 gene. This deletion is out-of-frame, and is expected to create a premature termination codon and result in an absent or disrupted protein product. Loss-of-function variants in DMXL2 are known to be pathogenic (PMID: 30237576, 31688942).

Literature cited by the submitters: PubMed 30237576; PubMed 31688942.